The following is an entry in ClinVar:

ClinVar aggregate classification (germline): Pathogenic/Likely pathogenic. Review status: criteria provided, multiple submitters, no conflicts (2 of 4 stars). 5 submissions from 5 submitters: Pathogenic (4); Likely pathogenic (1). Last evaluated 2025-07-17.

Conditions:
Hermansky-Pudlak syndrome 1 (HPS1). Also called: DELTA STORAGE POOL DISEASE. Identifiers: Orphanet 231500, Orphanet 79430, MedGen C2931875, MONDO:0008748, OMIM 203300.
Hermansky-Pudlak syndrome (HPS). Also called: ALBINISM WITH HEMORRHAGIC DIATHESIS AND PIGMENTED RETICULOENDOTHELIAL CELLS. Identifiers: Orphanet 79430, MedGen C0079504, MONDO:0019312.

Submissions (5):

Myriad Genetics, Inc.
Classification: Pathogenic for Hermansky-Pudlak syndrome 1. Last evaluated: 2025-07-17. Review status: criteria provided, single submitter. Criteria: Myriad Autosomal Dominant, Autosomal Recessive and X-Linked Classification Criteria (2023). Collection method: clinical testing. Allele origin: unknown.
Comment: NM_000195.3(HPS1):c.97_100delTCAG(S33Rfs*18) is expected to be pathogenic in the context of Hermansky-Pudlak syndrome, HPS1-related. This variant is predicted to lead to an abnormal or absent protein product due to the creation of a premature termination codon in HPS1, a gene where loss-of-function variants are known to be pathogenic. Please note: this variant was assessed in the context of healthy population screening.

Natera, Inc.
Classification: Pathogenic for Hermansky-Pudlak syndrome. Last evaluated: 2024-12-12. Review status: criteria provided, single submitter. Criteria: Natera Variant Classification Schema (03/2026). Collection method: clinical testing. Allele origin: germline.
Comment: The c.97_100delTCAG variant in HPS1 is a frameshift variant predicted to shift the reading frame beginning at codon 33 and leads to a stop codon 18 codons downstream. This variant is expected to result in nonsense mediated decay, truncation, or a dysfunctional protein product. This variant is rare in the general population with a frequency below the threshold expected for the associated phenotype(s). This variant has been observed in one or more individuals affected with the associated recessive disease, as either homozygous or compound heterozygous with a second variant (PMID: 20514622). Additionally, this variant has been observed to segregate in affected family members (PMID: 20514622). Given the available evidence, this variant is classified as Pathogenic.

Baylor Genetics
Classification: Likely pathogenic for Hermansky-Pudlak syndrome 1. Last evaluated: 2024-03-07. Review status: criteria provided, single submitter. Criteria: ACMG Guidelines, 2015. Collection method: clinical testing. Allele origin: unknown.

GeneDx
Classification: Pathogenic. Last evaluated: 2023-04-28. Review status: criteria provided, single submitter. Criteria: GeneDx Variant Classification Process June 2021. Collection method: clinical testing. Allele origin: germline. Affected: yes.
Comment: Frameshift variant predicted to result in protein truncation or nonsense mediated decay in a gene for which loss of function is a known mechanism of disease; Not observed at significant frequency in large population cohorts (gnomAD); This variant is associated with the following publications: (PMID: 20514622)

Labcorp Genetics (formerly Invitae), Labcorp
Classification: Pathogenic. Last evaluated: 2022-10-31. Review status: criteria provided, single submitter. Criteria: Invitae Variant Classification Sherloc (09022015). Collection method: clinical testing. Allele origin: germline.
Comment: For these reasons, this variant has been classified as Pathogenic. ClinVar contains an entry for this variant (Variation ID: 1384691). This premature translational stop signal has been observed in individual(s) with clinical features of Hermansky-Pudlak syndrome (PMID: 20514622). In at least one individual the data is consistent with being in trans (on the opposite chromosome) from a pathogenic variant. It has also been observed to segregate with disease in related individuals. This variant is not present in population databases (gnomAD no frequency). This sequence change creates a premature translational stop signal (p.Ser33Argfs*18) in the HPS1 gene. It is expected to result in an absent or disrupted protein product. Loss-of-function variants in HPS1 are known to be pathogenic (PMID: 12442288, 16185271).

Literature cited by the submitters: PubMed 20514622 (cited by Natera, Inc. and Labcorp Genetics (formerly Invitae), Labcorp); PubMed 12442288 (cited by Labcorp Genetics (formerly Invitae), Labcorp); PubMed 16185271 (cited by Labcorp Genetics (formerly Invitae), Labcorp).

NM_000195.5(HPS1):c.97_100del (p.Ser33fs)

Gene: HPS1 (HPS1 biogenesis of lysosomal organelles complex 3 subunit 1; minus strand). Cytogenetic location: 10q24.2.
Variant type: Deletion.
Coding change: c.97_100del on transcript NM_000195.5 (MANE Select); coding-DNA positions 97 to 100, 4 bases deleted (TCAG; older notation c.97_100delTCAG).
Protein change: p.Ser33fs; shifts the reading frame from serine 33.
Molecular consequence: frameshift variant. On other transcripts: 5 prime UTR variant (6).
Genome position (GRCh38, 1-based): chr10:98,443,141-98,443,144, CTGA deleted on the plus strand (TCAG on the coding strand, the reverse complement: HPS1 is on the minus strand); deleting any 4 consecutive bases within chr10:98,443,141-98,443,147 gives the same sequence; the c. name uses the placement nearest the transcript's 3' end. VCF-style (leftmost placement, unchanged base first): chr10-98443140-TCTGA-T. GRCh37 (hg19) VCF-style: chr10-100202897-TCTGA-T.
Other names: c.97_100delTCAG (NM_000195.4); c.-820_-817del (NM_001311345.2); c.97_100del, p.Ser33fs (NM_001322476.2, NM_001322477.2, NM_001322478.2 and 8 more transcripts); c.-130_-127del (NM_001322483.2, NM_001322484.2, NM_001322485.2); c.-919_-916del (NM_001322487.2); c.-677_-674del (NM_001322489.2); c.97_100del (NM_000195.3); short protein forms S33fs.
Identifiers: ClinVar variation 1384691 (VCV001384691.11), dbSNP rs2136327710, ClinGen allele CA2523186792.